The following is an entry in ClinVar:

NM_001130438.3(SPTAN1):c.5530G>C (p.Glu1844Gln)

Gene: SPTAN1 (spectrin alpha, non-erythrocytic 1; plus strand). Cytogenetic location: 9q34.11.
Variant type: single nucleotide variant.
Coding change: c.5530G>C on transcript NM_001130438.3 (MANE Select); coding-DNA position 5530, G replaced by C.
Protein change: p.Glu1844Gln; replaces glutamic acid 1844 with glutamine.
Molecular consequence: missense variant.
Genome position (GRCh38, 1-based): chr9:128,618,038, G>C. VCF-style: chr9-128618038-G-C. GRCh37 (hg19) VCF-style: chr9-131380317-G-C.
Other names: c.5530G>C (NM_001130438.2); c.5455G>C, p.Glu1819Gln (NM_001195532.2); c.5530G>C, p.Glu1844Gln (NM_001363759.2, NM_001375310.1, NM_001375311.2 and 1 more transcripts); c.5470G>C, p.Glu1824Gln (NM_001363765.2, NM_001375314.2); c.5566G>C, p.Glu1856Gln (NM_001375312.2, NM_001375318.1); c.5515G>C, p.Glu1839Gln (NM_003127.4); short protein forms E1824Q, E1839Q, E1844Q, E1856Q, E1819Q.
Identifiers: ClinVar variation 2050653 (VCV002050653.7), dbSNP rs763507558, ClinGen allele CA5265495.

ClinVar aggregate classification (germline): Uncertain significance. Review status: criteria provided, multiple submitters, no conflicts (2 of 4 stars). 4 submissions from 4 submitters: Uncertain significance (4). Last evaluated 2025-03-10.

Conditions:
Inborn genetic diseases. Identifiers: MedGen C0950123, MeSH D030342.
Early-infantile DEE. Also called: Ohtahara syndrome; Early infantile epileptic encephalopathy; Early infantile epileptic encephalopathy with suppression bursts. Identifiers: Orphanet 1934, MedGen C0393706, MONDO:0800491.

Allele frequency attached by ClinVar (database versions not stated): ExAC 0.00001.
gnomAD v4.1: 15 of 1,614,102 alleles (0.00093%); highest among the groups gnomAD compares: South Asian, 0.0033%; no homozygotes.

Submissions (4):

Ambry Genetics
Classification: Uncertain significance for Inborn genetic diseases. Last evaluated: 2025-03-10. Review status: criteria provided, single submitter. Criteria: Ambry Variant Classification Scheme 2023. Collection method: clinical testing. Allele origin: germline.

Women's Health and Genetics/Laboratory Corporation of America, LabCorp
Classification: Uncertain significance. Last evaluated: 2024-09-25. Review status: criteria provided, single submitter. Criteria: LabCorp Variant Classification Summary - May 2015. Collection method: clinical testing. Allele origin: germline.
Comment: Variant summary: SPTAN1 c.5530G>C (p.Glu1844Gln) results in a conservative amino acid change in the encoded protein sequence. Four of five in-silico tools predict a benign effect of the variant on protein function. The variant allele was found at a frequency of 1.6e-05 in 251296 control chromosomes. The available data on variant occurrences in the general population are insufficient to allow any conclusion about variant significance. To our knowledge, no occurrence of c.5530G>C in individuals affected with Epileptic Encephalopathy, Early Infantile, 5 and no experimental evidence demonstrating its impact on protein function have been reported. ClinVar contains an entry for this variant (Variation ID: 2050653). Based on the evidence outlined above, the variant was classified as uncertain significance.

Blueprint Genetics
Classification: Uncertain significance. Last evaluated: 2024-08-07. Review status: criteria provided, single submitter. Criteria: ACMG Guidelines, 2015. Collection method: clinical testing. Allele origin: germline.

Labcorp Genetics (formerly Invitae), Labcorp
Classification: Uncertain significance for Early-infantile DEE. Last evaluated: 2021-12-15. Review status: criteria provided, single submitter. Criteria: Invitae Variant Classification Sherloc (09022015). Collection method: clinical testing. Allele origin: germline.
Comment: This sequence change replaces glutamic acid, which is acidic and polar, with glutamine, which is neutral and polar, at codon 1844 of the SPTAN1 protein (p.Glu1844Gln). This variant is present in population databases (rs763507558, gnomAD 0.003%). This variant has not been reported in the literature in individuals affected with SPTAN1-related conditions. Algorithms developed to predict the effect of missense changes on protein structure and function (SIFT, PolyPhen-2, Align-GVGD) all suggest that this variant is likely to be tolerated. In summary, the available evidence is currently insufficient to determine the role of this variant in disease. Therefore, it has been classified as a Variant of Uncertain Significance.